The following is an entry in ClinVar:

NM_014252.4(SLC25A15):c.337G>A (p.Gly113Ser)

Gene: SLC25A15 (solute carrier family 25 member 15; plus strand). Cytogenetic location: 13q14.11.
Variant type: single nucleotide variant.
Coding change: c.337G>A on transcript NM_014252.4 (MANE Select); coding-DNA position 337, G replaced by A.
Protein change: p.Gly113Ser; replaces glycine 113 with serine.
Molecular consequence: missense variant.
Genome position (GRCh38, 1-based): chr13:40,805,140, G>A. VCF-style: chr13-40805140-G-A. GRCh37 (hg19) VCF-style: chr13-41379276-G-A.
Other names: short protein forms G113S.
Identifiers: ClinVar variation 883225 (VCV000883225.22), dbSNP rs199894905, ClinGen allele CA6959702.

ClinVar aggregate classification (germline): Pathogenic/Likely pathogenic. Review status: criteria provided, multiple submitters, no conflicts (2 of 4 stars). 4 submissions from 4 submitters: Pathogenic (1); Likely pathogenic (3). Last evaluated 2025-06-15.

Conditions:
Hyperornithinemia-hyperammonemia-homocitrullinuria syndrome (HHHS). Also called: HHH SYNDROME; Ornithine translocase deficiency. Identifiers: Orphanet 415, MedGen C0268540, MONDO:0009393, OMIM 238970.
Inborn genetic diseases. Identifiers: MedGen C0950123, MeSH D030342.

Allele frequency attached by ClinVar (database versions not stated): gnomAD 0.00003; TOPMed 0.00005; gnomAD exomes 0.00007; ExAC 0.00012.

Submissions (4):

Natera, Inc.
Classification: Likely pathogenic for Hyperornithinemia-hyperammonemia-homocitrullinuria syndrome. Last evaluated: 2025-06-15. Review status: criteria provided, single submitter. Criteria: Natera Variant Classification Schema (03/2026). Collection method: clinical testing. Allele origin: germline.
Comment: The c.337G>A variant in SLC25A15 is a missense variant predicted to cause substitution of glycine to serine at amino acid 113. This variant is rare in the general population with a frequency below the threshold expected for the associated phenotype(s). This variant has been observed in one or more individuals affected with the associated recessive disease, as either homozygous or compound heterozygous with a second variant (PMID: 30187369, 30243302). This variant has been identified in one or more affected individuals with a phenotype highly consistent with the associated gene (PMID:30243302). Computational prediction algorithms indicate this variant is likely to affect gene or protein function. Given the available evidence, this variant is classified as Likely Pathogenic.

Labcorp Genetics (formerly Invitae), Labcorp
Classification: Pathogenic for Hyperornithinemia-hyperammonemia-homocitrullinuria syndrome. Last evaluated: 2024-10-22. Review status: criteria provided, single submitter. Criteria: Invitae Variant Classification Sherloc (09022015). Collection method: clinical testing. Allele origin: germline.
Comment: This sequence change replaces glycine, which is neutral and non-polar, with serine, which is neutral and polar, at codon 113 of the SLC25A15 protein (p.Gly113Ser). This variant is present in population databases (rs199894905, gnomAD 0.01%). This missense change has been observed in individual(s) with hyperornithinemia-hyperammonemia-homocitrullinuria syndrome (PMID: 30187369, 30243302). In at least one individual the data is consistent with being in trans (on the opposite chromosome) from a pathogenic variant. ClinVar contains an entry for this variant (Variation ID: 883225). Invitae Evidence Modeling of protein sequence and biophysical properties (such as structural, functional, and spatial information, amino acid conservation, physicochemical variation, residue mobility, and thermodynamic stability) has been performed for this missense variant. However, the output from this modeling did not meet the statistical confidence thresholds required to predict the impact of this variant on SLC25A15 protein function. This variant disrupts the p.Gly113 amino acid residue in SLC25A15. Other variant(s) that disrupt this residue have been determined to be pathogenic (PMID: 16601889, 19242930, 26589310, 30243302). This suggests that this residue is clinically significant, and that variants that disrupt this residue are likely to be disease-causing. For these reasons, this variant has been classified as Pathogenic.

GeneDx
Classification: Likely pathogenic. Last evaluated: 2022-12-09. Review status: criteria provided, single submitter. Criteria: GeneDx Variant Classification Process June 2021. Collection method: clinical testing. Allele origin: germline. Affected: yes.
Comment: Not observed at significant frequency in large population cohorts (gnomAD); In silico analysis supports that this missense variant has a deleterious effect on protein structure/function; This variant is associated with the following publications: (PMID: 26147798, Mahmoud2019[In silico], 30187369, 30243302)

Ambry Genetics
Classification: Likely pathogenic for Inborn genetic diseases. Last evaluated: 2021-10-29. Review status: criteria provided, single submitter. Criteria: Ambry Variant Classification Scheme 2023. Collection method: clinical testing. Allele origin: germline.
Comment: The c.337G>A (p.G113S) alteration is located in exon 4 (coding exon 3) of the SLC25A15 gene. This alteration results from a G to A substitution at nucleotide position 337, causing the glycine (G) at amino acid position 113 to be replaced by a serine (S). Based on data from gnomAD, the A allele has an overall frequency of <0.01% (18/251448) total alleles studied. The highest observed frequency was 0.01% (15/113756) of European (non-Finnish) alleles. The p.G113S alteration has been reported as confirmed or presumably in trans with a second alteration in SLC25A15 in patients with hyperornithinemia-hyperammonemia-homocitrullinuria syndrome (Silfverberg, 2018; Wild, 2019). Another alteration at this position (p.G113C) has also been reported (reviewed in Martinelli, 2015). This amino acid position is highly conserved in available vertebrate species. This alteration is predicted to be deleterious by in silico analysis. Based on the available evidence, this alteration is classified as likely pathogenic.

Literature cited by the submitters: PubMed 30187369 (cited by 3 submitters); PubMed 30243302 (cited by 3 submitters); PubMed 16601889 (cited by Labcorp Genetics (formerly Invitae), Labcorp); PubMed 19242930 (cited by Labcorp Genetics (formerly Invitae), Labcorp); PubMed 26589310 (cited by Labcorp Genetics (formerly Invitae), Labcorp); PubMed 25874378 (cited by Ambry Genetics).